The following is an entry in ClinVar:

ClinVar aggregate classification (germline): Likely pathogenic (1 of 4 stars; one submission).

Submission:

Labcorp Genetics (formerly Invitae), Labcorp
Classification: Likely pathogenic. Last evaluated: 2023-02-14. Review status: criteria provided, single submitter. Criteria: Invitae Variant Classification Sherloc (09022015). Collection method: clinical testing. Allele origin: germline.
Comment: This variant has not been reported in the literature in individuals affected with SLC12A6-related conditions. This variant is not present in population databases (gnomAD no frequency). This sequence change affects an acceptor splice site in intron 1 of the SLC12A6 gene. It is expected to disrupt RNA splicing. Variants that disrupt the donor or acceptor splice site typically lead to a loss of protein function (PMID: 16199547), and loss-of-function variants in SLC12A6 are known to be pathogenic (PMID: 12368912, 16606917). Algorithms developed to predict the effect of sequence changes on RNA splicing suggest that this variant may disrupt the consensus splice site. In summary, the currently available evidence indicates that the variant is pathogenic, but additional data are needed to prove that conclusively. Therefore, this variant has been classified as Likely Pathogenic.

Literature cited by the submitters: PubMed 16199547; PubMed 12368912; PubMed 16606917.

NM_001365088.1(SLC12A6):c.272-2A>G

Gene: SLC12A6 (solute carrier family 12 member 6; minus strand). Cytogenetic location: 15q14.
Variant type: single nucleotide variant.
Coding change: c.272-2A>G on transcript NM_001365088.1 (MANE Select); the canonical splice acceptor site of the intron before coding-DNA position 272, A replaced by G.
Molecular consequence: splice acceptor variant. On other transcripts: genic downstream transcript variant (1).
Genome position (GRCh38, 1-based): chr15:34,275,391, T>C on the plus strand (A>G on the coding strand, the complement: SLC12A6 is on the minus strand). VCF-style: chr15-34275391-T-C. GRCh37 (hg19) VCF-style: chr15-34567592-T-C.
Other names: c.95-2A>G (NM_001042495.2, NM_001042494.2); c.245-2A>G (NM_001042496.2); c.272-14371A>G (NM_001042497.2); c.272-2A>G (NM_133647.2); c.119-2A>G (NM_005135.2).
Identifiers: ClinVar variation 2837099 (VCV002837099.3), dbSNP rs2509893730, ClinGen allele CA391617299.